The following is an entry in ClinVar:

NM_022436.3(ABCG5):c.1129A>C (p.Arg377=)

Genes: DYNC2LI1 (dynein cytoplasmic 2 light intermediate chain 1; plus strand), ABCG5 (ATP binding cassette subfamily G member 5; minus strand). Cytogenetic location: 2p21.
Variant type: single nucleotide variant.
Coding change: c.1129A>C on transcript NM_022436.3 (MANE Select); coding-DNA position 1129, A replaced by C.
Protein change: p.Arg377=; no amino-acid change (arginine 377 retained).
Molecular consequence: synonymous variant. On other transcripts: intron variant (2).
Genome position (GRCh38, 1-based): chr2:43,824,108, T>G on the plus strand (A>C on the coding strand, the complement: ABCG5 is on the minus strand). VCF-style: chr2-43824108-T-G. GRCh37 (hg19) VCF-style: chr2-44051247-T-G.
Other names: c.*16-3278T>G (NM_001348913.2, NM_001348912.2).
Identifiers: ClinVar variation 3357060 (VCV003357060.1).

ClinVar aggregate classification (germline): Likely benign (0 of 4 stars; one submission).

Conditions:
ABCG5-related disorder. Also called: ABCG5-related condition.

gnomAD v4.1: 2 of 1,614,244 alleles (0.00012%); highest among the groups gnomAD compares: Admixed American, 0.0033%; no homozygotes.

Submission:

PreventionGenetics, part of Exact Sciences
Classification: Likely benign for ABCG5-related condition. Last evaluated: 2024-08-05. Review status: no assertion criteria provided. Collection method: clinical testing. Allele origin: germline.
Comment: This variant is classified as likely benign based on ACMG/AMP sequence variant interpretation guidelines (Richards et al. 2015 PMID: 25741868, with internal and published modifications).